The following is an entry in ClinVar:

NM_006361.6(HOXB13):c.377_378del (p.Glu126fs)

Gene: HOXB13 (homeobox B13; minus strand). Cytogenetic location: 17q21.32.
Variant type: Deletion.
Coding change: c.377_378del on transcript NM_006361.6 (MANE Select); coding-DNA positions 377 to 378, 2 bases deleted (AG; older notation c.377_378delAG).
Protein change: p.Glu126fs; shifts the reading frame from glutamic acid 126.
Molecular consequence: frameshift variant.
Genome position (GRCh38, 1-based): chr17:48,728,216-48,728,217, CT deleted on the plus strand (AG on the coding strand, the reverse complement: HOXB13 is on the minus strand); deleting any 2 consecutive bases within chr17:48,728,216-48,728,218 gives the same sequence; the c. name uses the placement nearest the transcript's 3' end. VCF-style (leftmost placement, unchanged base first): chr17-48728215-ACT-A. GRCh37 (hg19) VCF-style: chr17-46805577-ACT-A.
Other names: c.377_378delAG (NM_006361.5); short protein forms E126fs.
Identifiers: ClinVar variation 4035955 (VCV004035955.1).

ClinVar aggregate classification (germline): Uncertain significance (1 of 4 stars; one submission).

Conditions:
Hereditary cancer-predisposing syndrome. Also called: Neoplastic Syndromes, Hereditary; Tumor predisposition; Hereditary neoplastic syndrome; Hereditary Cancer Syndrome. Identifiers: Orphanet 140162, MedGen C0027672, MeSH D009386, MONDO:0015356.

Submission:

Ambry Genetics
Classification: Uncertain significance for Hereditary cancer-predisposing syndrome. Last evaluated: 2025-05-21. Review status: criteria provided, single submitter. Criteria: Ambry Variant Classification Scheme 2023. Collection method: clinical testing. Allele origin: germline.
Comment: The c.377_378delAG variant, located in coding exon 1 of the HOXB13 gene, results from a deletion of two nucleotides at nucleotide positions 377 to 378, causing a translational frameshift with a predicted alternate stop codon (p.E126Vfs*35). This alteration is expected to result in loss of function by premature protein truncation or nonsense-mediated mRNA decay. However, loss of function of HOXB13 has not been established as a mechanism of disease. Based on the available evidence, the clinical significance of this alteration remains unclear.